The following is an entry in ClinVar:

ClinVar aggregate classification (germline): Likely pathogenic. Review status: criteria provided, multiple submitters, no conflicts (2 of 4 stars). 2 submissions from 2 submitters: Likely pathogenic (2). Last evaluated 2026-08-06.

Conditions:
KIAA0753-related disorder.

gnomAD v4.1: 7 of 1,613,664 alleles (0.00043%); highest among the groups gnomAD compares: Non-Finnish European, 0.00059%; no homozygotes.

Submissions (2):

OLLIN Analises Genomicas, OLLIN
Classification: Likely pathogenic. Last evaluated: 2026-08-06. Review status: criteria provided, single submitter. Criteria: ACMG Guidelines 2015 PMID 25741868. Collection method: clinical testing. Allele origin: germline.
Comment: This nonsense variant, located in exon 15 (of 19), has been observed in gnomAD with an allele frequency of 0.00043%, but has not been reported in ClinVar or identified in the literature. This variant introduces a premature stop codon, which is predicted to result in either a truncated protein or degradation of the mRNA via nonsense-mediated decay (NMD). According to the currently available evidence, this variant has been classified as likely pathogenic (PVS1, PM2_P).

Blueprint Genetics
Classification: Likely pathogenic for KIAA0753-related disorders. Last evaluated: 2024-02-07. Review status: criteria provided, single submitter. Criteria: ACMG Guidelines, 2015. Collection method: clinical testing. Allele origin: germline. Affected: yes. Observed: 2 variant alleles.

NM_014804.3(KIAA0753):c.2341C>T (p.Arg781Ter)

Gene: KIAA0753 (KIAA0753; minus strand). Cytogenetic location: 17p13.1.
Variant type: single nucleotide variant.
Coding change: c.2341C>T on transcript NM_014804.3 (MANE Select); coding-DNA position 2341, C replaced by T.
Protein change: p.Arg781Ter; replaces arginine 781 with a stop codon.
Molecular consequence: nonsense. On other transcripts: non-coding transcript variant (3).
Genome position (GRCh38, 1-based): chr17:6,596,175, G>A on the plus strand (C>T on the coding strand, the complement: KIAA0753 is on the minus strand). VCF-style: chr17-6596175-G-A. GRCh37 (hg19) VCF-style: chr17-6499495-G-A.
Other names: c.1444C>T, p.Arg482Ter (NM_001351225.2); short protein forms R482*, R781*.
Identifiers: ClinVar variation 4933069 (VCV004933069.2).